The following is an entry in ClinVar:

NM_001035.3(RYR2):c.11989A>G (p.Lys3997Glu)

Gene: RYR2 (ryanodine receptor 2; plus strand). Cytogenetic location: 1q43.
Variant type: single nucleotide variant.
Coding change: c.11989A>G on transcript NM_001035.3 (MANE Select); coding-DNA position 11989, A replaced by G.
Protein change: p.Lys3997Glu; replaces lysine 3997 with glutamic acid.
Molecular consequence: missense variant.
Genome position (GRCh38, 1-based): chr1:237,783,701, A>G. VCF-style: chr1-237783701-A-G. GRCh37 (hg19) VCF-style: chr1-237947001-A-G.
Other names: c.11989A>G, p.Lys3997Glu (LRG_402t1); short protein forms K3997E.
Identifiers: ClinVar variation 419966 (VCV000419966.5), dbSNP rs1064794210, ClinGen allele CA16617108.
Genomic context (GRCh38, chr1:237,783,701, plus strand): 5'-TTATTTTAAACAAATGCAACTGCTTTACCACCAGGTAATGTTGTTAATGGAACGATTGGC[A>G]AACAGATGGTGGATATGCTTGTGGAATCTTCCAACAACGTGGAGATGATTCTCAAATTTT-3'
Protein context (NP_001026.2, residues 3987-4007): EGNVVNGTIG[Lys3997Glu]QMVDMLVESS

ClinVar aggregate classification (germline): Conflicting classifications of pathogenicity. Review status: criteria provided, conflicting classifications (1 of 4 stars). 2 submissions from 2 submitters: Pathogenic (1); Uncertain significance (1). Last evaluated 2023-11-07.

Conditions:
Catecholaminergic polymorphic ventricular tachycardia 1. Also called: RYR2-Related Catecholaminergic Polymorphic Ventricular Tachycardia; VENTRICULAR TACHYCARDIA, STRESS-INDUCED POLYMORPHIC 1; VENTRICULAR TACHYCARDIA, CATECHOLAMINERGIC POLYMORPHIC, 1, WITH OR WITHOUT ATRIAL DYSFUNCTION AND/OR DILATED CARDIOMYOPATHY. Identifiers: Orphanet 3286, MedGen C1631597, MONDO:0011484, OMIM 604772.

Submissions (2):

Labcorp Genetics (formerly Invitae), Labcorp
Classification: Pathogenic for Catecholaminergic polymorphic ventricular tachycardia 1. Last evaluated: 2023-11-07. Review status: criteria provided, single submitter. Criteria: Invitae Variant Classification Sherloc (09022015). Collection method: clinical testing. Allele origin: germline.
Comment: This sequence change replaces lysine, which is basic and polar, with glutamic acid, which is acidic and polar, at codon 3997 of the RYR2 protein (p.Lys3997Glu). This variant is not present in population databases (gnomAD no frequency). This missense change has been observed in individual(s) with clinical features of RYR2-related conditions (PMID: 19926015; Invitae). In at least one individual the variant was observed to be de novo. ClinVar contains an entry for this variant (Variation ID: 419966). Advanced modeling of protein sequence and biophysical properties (such as structural, functional, and spatial information, amino acid conservation, physicochemical variation, residue mobility, and thermodynamic stability) performed at Invitae indicates that this missense variant is expected to disrupt RYR2 protein function with a positive predictive value of 95%. For these reasons, this variant has been classified as Pathogenic.

GeneDx
Classification: Uncertain significance. Last evaluated: 2017-03-01. Review status: criteria provided, single submitter. Criteria: GeneDx Variant Classification (06012015). Collection method: clinical testing. Allele origin: germline. Affected: yes.
Comment: The K3997E variant has been reported in one individual from a cohort assessed for CPVT variants in the RYR2 gene (Medeiros-Domingo et al., 2009). However, no patient-specific clinical or segregation data were provided. The K3997E variant is not observed in large population cohorts (Lek et al., 2016; 1000 Genomes Consortium et al., 2015; Exome Variant Server). In addition, K3997E is a non-conservative amino acid substitution, which is likely to impact secondary protein structure as these residues differ in polarity, charge, size and/or other properties. Moreover, this substitution occurs at a position that is conserved across species and is located in one of the three hot-spot regions of the RYR2 gene, where the majority of pathogenic missense variants occur (Medeiros-Domingo et al., 2009). Furthermore, in silico analysis predicts this variant is probably damaging to the protein structure/function. Nonetheless, this variant lacks observation in a significant number of affected individuals, segregation data, and functional evidence, all of which would further clarify pathogenicity.

Literature cited by the submitters: PubMed 19926015 (cited by Labcorp Genetics (formerly Invitae), Labcorp).